The following is an entry in ClinVar:

ClinVar aggregate classification (germline): Pathogenic (1 of 4 stars; one submission).

Conditions:
Aniridia 1 (AN1). Identifiers: Orphanet 250923, MedGen C0344542, MONDO:0024507, OMIM 106210.
Irido-corneo-trabecular dysgenesis (ASGD5). Also called: ANTERIOR SEGMENT DYSGENESIS 5. Identifiers: Orphanet 708, MedGen C0344559, MONDO:0011414, OMIM 604229, HP:0000659.

Submission:

Labcorp Genetics (formerly Invitae), Labcorp
Classification: Pathogenic for Aniridia 1; Irido-corneo-trabecular dysgenesis. Last evaluated: 2024-10-03. Review status: criteria provided, single submitter. Criteria: Invitae Variant Classification Sherloc (09022015). Collection method: clinical testing. Allele origin: germline.
Comment: This sequence change creates a premature translational stop signal (p.Cys52*) in the PAX6 gene. It is expected to result in an absent or disrupted protein product. Loss-of-function variants in PAX6 are known to be pathogenic (PMID: 12634864). This variant is not present in population databases (gnomAD no frequency). This variant has not been reported in the literature in individuals affected with PAX6-related conditions. For these reasons, this variant has been classified as Pathogenic.

Literature cited by the submitters: PubMed 12634864.

NM_001368894.2(PAX6):c.198T>A (p.Cys66Ter)

Gene: PAX6 (paired box 6; minus strand). Cytogenetic location: 11p13.
Variant type: single nucleotide variant.
Coding change: c.198T>A on transcript NM_001368894.2 (MANE Select); coding-DNA position 198, T replaced by A.
Protein change: p.Cys66Ter; replaces cysteine 66 with a stop codon.
Molecular consequence: nonsense. On other transcripts: 5 prime UTR variant (14), non-coding transcript variant (2).
Genome position (GRCh38, 1-based): chr11:31,801,762, A>T on the plus strand (T>A on the coding strand, the complement: PAX6 is on the minus strand). VCF-style: chr11-31801762-A-T. GRCh37 (hg19) VCF-style: chr11-31823310-A-T.
Other names: c.156T>A, p.Cys52Ter (NM_000280.6, NM_001127612.3, NM_001258464.2 and 11 more transcripts); c.198T>A, p.Cys66Ter (NM_001258462.3, NM_001258463.2, NM_001310158.2 and 13 more transcripts); c.-584T>A (NM_001310160.2, NM_001368902.2, NM_001368905.2); c.-253T>A (NM_001310161.3, NM_001368899.2, NM_001368900.2 and 8 more transcripts); c.399T>A, p.Cys133Ter (NM_001368910.2); c.201T>A, p.Cys67Ter (NM_001368911.2); c.273T>A, p.Cys91Ter (NM_001368918.2, NM_001368919.2); c.231T>A, p.Cys77Ter (NM_001368920.2); short protein forms C133*, C52*, C66*, C67*, C77*, C91*.
Identifiers: ClinVar variation 3759347 (VCV003759347.2).